The following is an entry in ClinVar:

ClinVar aggregate classification (germline): Uncertain significance (1 of 4 stars; one submission).

Allele frequency attached by ClinVar (database versions not stated): gnomAD exomes below 0.00001 and 0.00001; gnomAD 0.00001; ExAC 0.00002; TOPMed 0.00003.
gnomAD v4.1: 6 of 1,613,984 alleles (0.00037%); highest among the groups gnomAD compares: African/African-American, 0.008%; no homozygotes.

Submission:

Labcorp Genetics (formerly Invitae), Labcorp
Classification: Uncertain significance. Last evaluated: 2025-03-17. Review status: criteria provided, single submitter. Criteria: Invitae Variant Classification Sherloc (09022015). Collection method: clinical testing. Allele origin: germline.
Comment: This sequence change replaces proline, which is neutral and non-polar, with leucine, which is neutral and non-polar, at codon 4822 of the FAT4 protein (p.Pro4822Leu). This variant is present in population databases (rs781260706, gnomAD 0.01%). This variant has not been reported in the literature in individuals affected with FAT4-related conditions. ClinVar contains an entry for this variant (Variation ID: 1407538). Invitae Evidence Modeling of protein sequence and biophysical properties (such as structural, functional, and spatial information, amino acid conservation, physicochemical variation, residue mobility, and thermodynamic stability) indicates that this missense variant is not expected to disrupt FAT4 protein function with a negative predictive value of 95%. In summary, the available evidence is currently insufficient to determine the role of this variant in disease. Therefore, it has been classified as a Variant of Uncertain Significance.

NM_001291303.3(FAT4):c.14471C>T (p.Pro4824Leu)

Gene: FAT4 (FAT atypical cadherin 4; plus strand). Cytogenetic location: 4q28.1.
Variant type: single nucleotide variant.
Coding change: c.14471C>T on transcript NM_001291303.3 (MANE Select); coding-DNA position 14471, C replaced by T.
Protein change: p.Pro4824Leu; replaces proline 4824 with leucine.
Molecular consequence: missense variant.
Genome position (GRCh38, 1-based): chr4:125,491,287, C>T. VCF-style: chr4-125491287-C-T. GRCh37 (hg19) VCF-style: chr4-126412442-C-T.
Other names: c.14468C>T, p.Pro4823Leu (NM_001291285.3); c.14465C>T, p.Pro4822Leu (NM_024582.6); short protein forms P4823L, P4822L, P4824L.
Identifiers: ClinVar variation 1407538 (VCV001407538.8), dbSNP rs781260706, ClinGen allele CA3074570.